The following is an entry in ClinVar:

NM_000260.4(MYO7A):c.2188-2_2196del

Gene: MYO7A (myosin VIIA; plus strand). Cytogenetic location: 11q13.5.
Variant type: Deletion.
Coding change: c.2188-2_2196del on transcript NM_000260.4 (MANE Select); the canonical splice acceptor site of the intron before coding-DNA position 2188 through coding-DNA position 2196, 11 bases deleted (AGGACCACCAT).
Molecular consequence: splice acceptor variant.
Genome position (GRCh38, 1-based): chr11:77,177,547-77,177,557, AGGACCACCAT deleted; deleting any 11 consecutive bases within chr11:77,177,546-77,177,557 gives the same sequence; the c. name uses the placement nearest the transcript's 3' end. VCF-style (leftmost placement, unchanged base first): chr11-77177545-CTAGGACCACCA-C. GRCh37 (hg19) VCF-style: chr11-76888591-CTAGGACCACCA-C.
Other names: c.2155-2_2163del (NM_001369365.1); c.2188-2_2196del (NM_001127180.2).
Identifiers: ClinVar variation 3601458 (VCV003601458.1).

ClinVar aggregate classification (germline): Pathogenic (1 of 4 stars; one submission).

Conditions:
Autosomal recessive nonsyndromic hearing loss 2. Also called: NEUROSENSORY NONSYNDROMIC RECESSIVE DEAFNESS 2; DEAFNESS, AUTOSOMAL RECESSIVE 2. Identifiers: Orphanet 90636, MedGen C1838701, MONDO:0010807, OMIM 600060.

Submission:

Institute of Rare Diseases, West China Hospital, Sichuan University
Classification: Pathogenic for Autosomal recessive nonsyndromic hearing loss 2. Last evaluated: 2025-01-09. Review status: criteria provided, single submitter. Criteria: ClinGen HL ACMG Specifications v1. Collection method: research. Allele origin: germline. Affected: yes.
Comment: PVS1;PP1;PM2_Supporting